The following is an entry in ClinVar:

NM_020843.4(SCAPER):c.3436A>G (p.Met1146Val)

Gene: SCAPER (S-phase cyclin A associated protein in the ER; minus strand). Cytogenetic location: 15q24.3.
Variant type: single nucleotide variant.
Coding change: c.3436A>G on transcript NM_020843.4 (MANE Select); coding-DNA position 3436, A replaced by G.
Protein change: p.Met1146Val; replaces methionine 1146 with valine.
Molecular consequence: missense variant. On other transcripts: non-coding transcript variant (1).
Genome position (GRCh38, 1-based): chr15:76,404,555, T>C on the plus strand (A>G on the coding strand, the complement: SCAPER is on the minus strand). VCF-style: chr15-76404555-T-C. GRCh37 (hg19) VCF-style: chr15-76696896-T-C.
Other names: c.3454A>G (NM_001353009.1); c.2698A>G, p.Met900Val (NM_001145923.2); c.3454A>G, p.Met1152Val (NM_001353009.2); c.3034A>G, p.Met1012Val (NM_001353010.2, NM_001353012.2); c.3052A>G, p.Met1018Val (NM_001353011.2); short protein forms M1146V, M1152V, M1012V, M1018V, M900V.
Identifiers: ClinVar variation 4160233 (VCV004160233.2).
Genomic context (GRCh38, chr15:76,404,555, plus strand): 5'-TCTAGATTGAGATCAAGTAGATGCCTTACCTTCCAGTGACAGCAAAGCACAGTGTACACA[T>C]TGCATGTAAGAGTCCTGCGGCATGCTGCAGAAATATGGCCATCTTGGGATTCTCATCCAC-3'
Protein context (NP_065894.2, residues 1136-1156): LQHAAGLLHA[Met1146Val]CTLCFAVTGR

ClinVar aggregate classification (germline): Uncertain significance. Review status: criteria provided, multiple submitters, no conflicts (2 of 4 stars). 2 submissions from 2 submitters: Uncertain significance (2). Last evaluated 2025-09-04.

Conditions:
Inborn genetic diseases. Identifiers: MedGen C0950123, MeSH D030342.
SCAPER-related disorder. Also called: SCAPER-related condition.

Submissions (2):

PreventionGenetics, part of Exact Sciences
Classification: Uncertain significance for SCAPER-related condition. Last evaluated: 2025-09-04. Review status: criteria provided, single submitter. Criteria: ACMG Guidelines, 2015. Collection method: clinical testing. Allele origin: germline.
Comment: The SCAPER c.3454A>G variant is predicted to result in the amino acid substitution p.Met1152Val. To our knowledge, this variant has not been reported in the literature or in a large population database (gnomAD), indicating this variant is rare. At this time, the clinical significance of this variant is uncertain due to the absence of conclusive functional and genetic evidence.

Ambry Genetics
Classification: Uncertain significance for Inborn genetic diseases. Last evaluated: 2025-08-24. Review status: criteria provided, single submitter. Criteria: Ambry Variant Classification Scheme 2023. Collection method: clinical testing. Allele origin: germline.